The following is an entry in ClinVar:

ClinVar aggregate classification (germline): Likely pathogenic (1 of 4 stars; one submission).

Conditions:
Congenital myasthenic syndrome (CMS). Also called: Congenital Myasthenic Syndromes. Identifiers: Orphanet 590, MedGen C0751882, MeSH D020294, MONDO:0018940.

gnomAD v4.1: 1 of 1,613,880 alleles (0.000062%); highest among the groups gnomAD compares: Admixed American, 0.0017%; no homozygotes.

Submission:

Women's Health and Genetics/Laboratory Corporation of America, LabCorp
Classification: Likely pathogenic for Congenital myasthenic syndrome. Last evaluated: 2025-06-11. Review status: criteria provided, single submitter. Criteria: LabCorp Variant Classification Summary - May 2015. Collection method: clinical testing. Allele origin: germline.
Comment: Variant summary: CHRNE c.601G>A (p.Glu201Lys) results in a conservative amino acid change in the encoded protein sequence. Algorithms developed to predict the effect of missense changes on protein structure and function are either unavailable or do not agree on the potential impact of this missense change. Several computational tools predict a significant impact on normal splicing: Two predict the variant abolishes a 5' splicing donor site. However, these predictions have yet to be confirmed by functional studies. The variant was absent in 250614 control chromosomes. c.601G>A has been observed in homozygous individuals affected with Congenital Myasthenic Syndrome (e.g. Karimi_2025). These data indicate that the variant is likely to be associated with disease. To our knowledge, no experimental evidence demonstrating an impact on protein function has been reported. The following publication has been ascertained in the context of this evaluation (PMID: 39550999). No submitters have cited clinical-significance assessments for this variant to ClinVar. Based on the evidence outlined above, the variant was classified as likely pathogenic.

Literature cited by the submitters: PubMed 39550999.

NM_000080.4(CHRNE):c.601G>A (p.Glu201Lys)

Genes: C17orf107 (chromosome 17 open reading frame 107; plus strand), CHRNE (cholinergic receptor nicotinic epsilon subunit; minus strand). Cytogenetic location: 17p13.2.
Variant type: single nucleotide variant.
Coding change: c.601G>A on transcript NM_000080.4 (MANE Select); coding-DNA position 601, G replaced by A.
Protein change: p.Glu201Lys; replaces glutamic acid 201 with lysine.
Molecular consequence: missense variant. On other transcripts: 3 prime UTR variant (1).
Genome position (GRCh38, 1-based): chr17:4,901,525, C>T on the plus strand (G>A on the coding strand, the complement: CHRNE is on the minus strand). VCF-style: chr17-4901525-C-T. GRCh37 (hg19) VCF-style: chr17-4804820-C-T.
Other names: c.*992C>T (NM_001145536.2); short protein forms E201K.
Identifiers: ClinVar variation 3907205 (VCV003907205.1).